The following is an entry in ClinVar:

NC_000007.14:g.96110077T>C

Gene: DYNC1I1 (dynein cytoplasmic 1 intermediate chain 1; plus strand). Cytogenetic location: 7q21.3.
Variant type: single nucleotide variant.
Molecular consequence: 3 prime UTR variant (on NM_001278422.2).
Genome position: GRCh38 VCF-style: chr7-96110077-T-C. GRCh37 (hg19) VCF-style: chr7-95739389-T-C.
Other names: c.*6T>C (NM_001278422.2).
Identifiers: ClinVar variation 3039347 (VCV003039347.2), dbSNP rs185004446, ClinGen allele CA4352665.

ClinVar aggregate classification (germline): Benign (0 of 4 stars; one submission).

Conditions:
DYNC1I1-related disorder. Also called: DYNC1I1-related condition.

Allele frequency attached by ClinVar (database versions not stated): 1000 Genomes Project 30x 0.00172; gnomAD exomes 0.00031; 1000 Genomes Project 0.00220; ExAC 0.00020; gnomAD 0.00275; TOPMed 0.00344.
gnomAD v4.1: 514 of 442,670 alleles (0.12%); highest among the groups gnomAD compares: African/African-American, 0.96%; 1 homozygote.

Submission:

PreventionGenetics, part of Exact Sciences
Classification: Benign for DYNC1I1-related condition. Last evaluated: 2019-05-23. Review status: no assertion criteria provided. Collection method: clinical testing. Allele origin: germline.
Comment: This variant is classified as benign based on ACMG/AMP sequence variant interpretation guidelines (Richards et al. 2015 PMID: 25741868, with internal and published modifications).